The following is an entry in ClinVar:

ClinVar aggregate classification (germline): Likely benign (1 of 4 stars; one submission).

Conditions:
Malignant hyperthermia, susceptibility to, 1 (MHS1). Also called: RYR1-Related Malignant Hyperthermia Susceptibility; Anesthesia related hyperthermia; Malignant hyperpyrexia; Fulminating hyperpyrexia; Pharmacogenic myopathy; Malignant hyperthermia suceptibility 1. Identifiers: Orphanet 423, MedGen C2930980, MONDO:0007783, OMIM 145600.

Allele frequency attached by ClinVar (database versions not stated): TOPMed 0.00001; ExAC 0.00002.
gnomAD v4.1: 5 of 1,609,482 alleles (0.00031%); highest among the groups gnomAD compares: East Asian, 0.0022%; no homozygotes.

Submission:

All of Us Research Program, National Institutes of Health
Classification: Likely benign for Malignant hyperthermia, susceptibility to, 1. Last evaluated: 2023-04-28. Review status: criteria provided, single submitter. Criteria: ACMG Guidelines, 2015. Collection method: clinical testing. Allele origin: germline. Inheritance: Autosomal dominant inheritance. Observed: 2 variant alleles, 2 heterozygotes.
Comment: This study involves interpretation of variants in research participants for the purpose of population health screening. Participant phenotype was not available at the time of variant classification. Additional details can be found in publication PMID: 35346344, PMCID: PMC8962531

NM_000540.3(RYR1):c.10825-13A>G

Gene: RYR1 (ryanodine receptor 1; plus strand). Cytogenetic location: 19q13.2.
Variant type: single nucleotide variant.
Coding change: c.10825-13A>G on transcript NM_000540.3 (MANE Select); 13 bases into the intron before coding-DNA position 10825, A replaced by G.
Molecular consequence: intron variant.
Genome position (GRCh38, 1-based): chr19:38,528,293, A>G. VCF-style: chr19-38528293-A-G. GRCh37 (hg19) VCF-style: chr19-39018933-A-G.
Other names: c.10810-13A>G (NM_001042723.2).
Identifiers: ClinVar variation 3069729 (VCV003069729.1), dbSNP rs752927986, ClinGen allele CA054916.
Genomic context (GRCh38, chr19:38,528,293, plus strand): 5'-GCAGTTTCATCCAGGGCTGGGAGTGAGAGGGGCAGGGTCTGGGGATGTGACTGTCCTGCT[A>G]TCCCCTCCCCAGACCGAGCACCCTTACAAGTCTAAGAAGGCCGTGTGGCACAAGCTTTTG-3'